The following is an entry in ClinVar:

ClinVar aggregate classification (germline): Uncertain significance (1 of 4 stars; one submission).

Allele frequency attached by ClinVar (database versions not stated): gnomAD 0.00001.
gnomAD v4.1: 1 of 1,614,016 alleles (0.000062%); highest among the groups gnomAD compares: Non-Finnish European, 0.000085%; no homozygotes.

Submission:

Labcorp Genetics (formerly Invitae), Labcorp
Classification: Uncertain significance. Last evaluated: 2023-09-29. Review status: criteria provided, single submitter. Criteria: Invitae Variant Classification Sherloc (09022015). Collection method: clinical testing. Allele origin: germline.
Comment: This variant is present in population databases (no rsID available, gnomAD 0.007%). This sequence change replaces aspartic acid, which is acidic and polar, with tyrosine, which is neutral and polar, at codon 1303 of the KAT6A protein (p.Asp1303Tyr). This variant has not been reported in the literature in individuals affected with KAT6A-related conditions. In summary, the available evidence is currently insufficient to determine the role of this variant in disease. Therefore, it has been classified as a Variant of Uncertain Significance. Advanced modeling of protein sequence and biophysical properties (such as structural, functional, and spatial information, amino acid conservation, physicochemical variation, residue mobility, and thermodynamic stability) performed at Invitae indicates that this missense variant is not expected to disrupt KAT6A protein function.

NM_006766.5(KAT6A):c.3907G>T (p.Asp1303Tyr)

Gene: KAT6A (lysine acetyltransferase 6A; minus strand). Cytogenetic location: 8p11.21.
Variant type: single nucleotide variant.
Coding change: c.3907G>T on transcript NM_006766.5 (MANE Select); coding-DNA position 3907, G replaced by T.
Protein change: p.Asp1303Tyr; replaces aspartic acid 1303 with tyrosine.
Molecular consequence: missense variant.
Genome position (GRCh38, 1-based): chr8:41,934,313, C>A on the plus strand (G>T on the coding strand, the complement: KAT6A is on the minus strand). VCF-style: chr8-41934313-C-A. GRCh37 (hg19) VCF-style: chr8-41791831-C-A.
Other names: short protein forms D1303Y.
Identifiers: ClinVar variation 2764406 (VCV002764406.3), dbSNP rs1345553292, ClinGen allele CA371067915.